The following is an entry in ClinVar:

ClinVar aggregate classification (germline): Uncertain significance (1 of 4 stars; one submission).

Conditions:
Pyridoxine-dependent epilepsy (EPEO4). Also called: Pyridoxine-Dependent Seizures; Pyridoxine-Dependent Epilepsy - ALDH7A1; PYRIDOXINE DEPENDENCY WITH SEIZURES; EPILEPSY, EARLY-ONSET, 4, VITAMIN B6-DEPENDENT. Identifiers: Orphanet 3006, MedGen C1849508, MONDO:0009945, OMIM 266100. Disease mechanism: loss of function.

Submission:

Labcorp Genetics (formerly Invitae), Labcorp
Classification: Uncertain significance for Pyridoxine-dependent epilepsy. Last evaluated: 2022-10-24. Review status: criteria provided, single submitter. Criteria: Invitae Variant Classification Sherloc (09022015). Collection method: clinical testing. Allele origin: germline.
Comment: This variant, c.723_725del, results in the deletion of 1 amino acid(s) of the ALDH7A1 protein (p.Asn241del), but otherwise preserves the integrity of the reading frame. This variant is not present in population databases (gnomAD no frequency). This variant has not been reported in the literature in individuals affected with ALDH7A1-related conditions. Experimental studies and prediction algorithms are not available or were not evaluated, and the functional significance of this variant is currently unknown. In summary, the available evidence is currently insufficient to determine the role of this variant in disease. Therefore, it has been classified as a Variant of Uncertain Significance.

NM_001182.5(ALDH7A1):c.720CAA[1] (p.Asn241del)

Gene: ALDH7A1 (aldehyde dehydrogenase 7 family member A1; minus strand). Cytogenetic location: 5q23.2.
Variant type: Microsatellite.
Coding change: c.720CAA[1] on transcript NM_001182.5 (MANE Select); one copy of the 3-base unit CAA starting at c.720; the reference has two copies in a row; one copy, 3 bases deleted.
Protein change: p.Asn241del; deletes asparagine 241.
Molecular consequence: inframe deletion.
Genome position (GRCh38, 1-based): chr5:126,570,830-126,570,832, TTG deleted on the plus strand (CAA on the coding strand, the reverse complement: ALDH7A1 is on the minus strand); deleting any 3 consecutive bases within chr5:126,570,830-126,570,836 gives the same sequence; the position shown is the placement nearest the transcript's 3' end. VCF-style (leftmost placement, unchanged base first): chr5-126570829-CTTG-C. GRCh37 (hg19) VCF-style: chr5-125906521-CTTG-C.
Other names: c.636CAA[1], p.Asn213del (NM_001201377.2); c.720CAA[1], p.Asn241del (NM_001202404.2); short protein forms N213del, N241del.
Identifiers: ClinVar variation 1511554 (VCV001511554.3), dbSNP rs1195228817, ClinGen allele CA803467183.